The following is an entry in ClinVar:

ClinVar aggregate classification (germline): Uncertain significance. Review status: criteria provided, multiple submitters, no conflicts (2 of 4 stars). 2 submissions from 2 submitters: Uncertain significance (2). Last evaluated 2026-02-23.

Conditions:
Generalized epilepsy with febrile seizures plus, type 9 (GEFSP9). Also called: GEFS+, TYPE 9. Identifiers: Orphanet 36387, MedGen C4015395, MONDO:0014517, OMIM 616172.
Inborn genetic diseases. Identifiers: MedGen C0950123, MeSH D030342.

Allele frequency attached by ClinVar (database versions not stated): gnomAD exomes below 0.00001.
gnomAD v4.1: 5 of 1,614,118 alleles (0.00031%); highest among the groups gnomAD compares: Non-Finnish European, 0.00042%; no homozygotes.

Submissions (2):

Ambry Genetics
Classification: Uncertain significance for Inborn genetic diseases. Last evaluated: 2026-02-23. Review status: criteria provided, single submitter. Criteria: Ambry Variant Classification Scheme 2023. Collection method: clinical testing. Allele origin: germline.
Comment: The c.692G>A (p.R231H) alteration is located in exon 9 (coding exon 9) of the STX1B gene. This alteration results from a G to A substitution at nucleotide position 692, causing the arginine (R) at amino acid position 231 to be replaced by a histidine (H). Based on data from gnomAD, the A allele has an overall frequency of <0.001% (1/251270) total alleles studied. The highest observed frequency was 0.001% (1/113578) of European (non-Finnish) alleles. Based on insufficient or conflicting evidence, the clinical significance of this alteration remains unclear.

Labcorp Genetics (formerly Invitae), Labcorp
Classification: Uncertain significance for Generalized epilepsy with febrile seizures plus, type 9. Last evaluated: 2020-07-07. Review status: criteria provided, single submitter. Criteria: Invitae Variant Classification Sherloc (09022015). Collection method: clinical testing. Allele origin: germline.
Comment: This sequence change replaces arginine with histidine at codon 231 of the STX1B protein (p.Arg231His). The arginine residue is highly conserved and there is a small physicochemical difference between arginine and histidine. This variant is not present in population databases (ExAC no frequency). This variant has not been reported in the literature in individuals with STX1B-related conditions. Algorithms developed to predict the effect of missense changes on protein structure and function are either unavailable or do not agree on the potential impact of this missense change (SIFT: "Tolerated"; PolyPhen-2: "Possibly Damaging"; Align-GVGD: "Class C0"). In summary, the available evidence is currently insufficient to determine the role of this variant in disease. Therefore, it has been classified as a Variant of Uncertain Significance.

NM_052874.5(STX1B):c.692G>A (p.Arg231His)

Gene: STX1B (syntaxin 1B; minus strand). Cytogenetic location: 16p11.2.
Variant type: single nucleotide variant.
Coding change: c.692G>A on transcript NM_052874.5 (MANE Select); coding-DNA position 692, G replaced by A.
Protein change: p.Arg231His; replaces arginine 231 with histidine.
Molecular consequence: missense variant.
Genome position (GRCh38, 1-based): chr16:30,993,224, C>T on the plus strand (G>A on the coding strand, the complement: STX1B is on the minus strand). VCF-style: chr16-30993224-C-T. GRCh37 (hg19) VCF-style: chr16-31004545-C-T.
Other names: c.692G>A (NM_052874.3); short protein forms R231H.
Identifiers: ClinVar variation 1010415 (VCV001010415.9), dbSNP rs1183707872, ClinGen allele CA395646938.
Genomic context (GRCh38, chr16:30,993,224, plus strand): 5'-TTGGTGTCAGACACAGCTCGCTCCACGTAGTCCACAGAATGTTCCACGTTGTACTCGATG[C>T]GGTCAATCATCTCTCCCTGCAGACAGAGGAGACATGCACAGGGAGGGATGGGGGCTGGGC-3'
Protein context (NP_443106.1, residues 221-241): LVESQGEMID[Arg231His]IEYNVEHSVD